The following is an entry in ClinVar:

NM_020693.4(DSCAML1):c.4961G>C (p.Arg1654Pro)

Gene: DSCAML1 (DS cell adhesion molecule like 1; minus strand). Cytogenetic location: 11q23.3.
Variant type: single nucleotide variant.
Coding change: c.4961G>C on transcript NM_020693.4 (MANE Select); coding-DNA position 4961, G replaced by C.
Protein change: p.Arg1654Pro; replaces arginine 1654 with proline.
Molecular consequence: missense variant.
Genome position (GRCh38, 1-based): chr11:117,433,203, C>G on the plus strand (G>C on the coding strand, the complement: DSCAML1 is on the minus strand). VCF-style: chr11-117433203-C-G. GRCh37 (hg19) VCF-style: chr11-117303919-C-G.
Other names: short protein forms R1654P.
Identifiers: ClinVar variation 1385063 (VCV001385063.6), dbSNP rs528144133, ClinGen allele CA382756279.

ClinVar aggregate classification (germline): Uncertain significance (1 of 4 stars; one submission).

Submission:

Labcorp Genetics (formerly Invitae), Labcorp
Classification: Uncertain significance. Last evaluated: 2022-08-10. Review status: criteria provided, single submitter. Criteria: Invitae Variant Classification Sherloc (09022015). Collection method: clinical testing. Allele origin: germline.
Comment: In summary, the available evidence is currently insufficient to determine the role of this variant in disease. Therefore, it has been classified as a Variant of Uncertain Significance. Algorithms developed to predict the effect of missense changes on protein structure and function are either unavailable or do not agree on the potential impact of this missense change (SIFT: "Deleterious"; PolyPhen-2: "Probably Damaging"; Align-GVGD: "Class C0"). ClinVar contains an entry for this variant (Variation ID: 1385063). This variant has not been reported in the literature in individuals affected with DSCAML1-related conditions. This variant is not present in population databases (gnomAD no frequency). This sequence change replaces arginine, which is basic and polar, with proline, which is neutral and non-polar, at codon 1714 of the DSCAML1 protein (p.Arg1714Pro).